The following is an entry in ClinVar:

NM_000222.3(KIT):c.1085A>T (p.Tyr362Phe)

Gene: KIT (KIT proto-oncogene, receptor tyrosine kinase; plus strand). Cytogenetic location: 4q12.
Variant type: single nucleotide variant.
Coding change: c.1085A>T on transcript NM_000222.3 (MANE Select); coding-DNA position 1085, A replaced by T.
Protein change: p.Tyr362Phe; replaces tyrosine 362 with phenylalanine.
Molecular consequence: missense variant.
Genome position (GRCh38, 1-based): chr4:54,707,257, A>T. VCF-style: chr4-54707257-A-T. GRCh37 (hg19) VCF-style: chr4-55573423-A-T.
Other names: c.1085A>T, p.Tyr362Phe (NM_001093772.2, NM_001385285.1, NM_001385286.1); c.1088A>T, p.Tyr363Phe (NM_001385284.1, NM_001385288.1, NM_001385290.1 and 1 more transcripts); short protein forms Y362F, Y363F.
Identifiers: ClinVar variation 3864526 (VCV003864526.1).

ClinVar aggregate classification (germline): Uncertain significance (1 of 4 stars; one submission).

Conditions:
Hereditary cancer-predisposing syndrome. Also called: Hereditary neoplastic syndrome; Neoplastic Syndromes, Hereditary; Tumor predisposition; Hereditary Cancer Syndrome. Identifiers: Orphanet 140162, MedGen C0027672, MeSH D009386, MONDO:0015356.

Submission:

Ambry Genetics
Classification: Uncertain significance for Hereditary cancer-predisposing syndrome. Last evaluated: 2024-12-17. Review status: criteria provided, single submitter. Criteria: Ambry Variant Classification Scheme 2023. Collection method: clinical testing. Allele origin: germline.
Comment: The p.Y362F variant (also known as c.1085A>T), located in coding exon 6 of the KIT gene, results from an A to T substitution at nucleotide position 1085. The tyrosine at codon 362 is replaced by phenylalanine, an amino acid with highly similar properties. This amino acid position is conserved. In addition, this alteration is predicted to be tolerated by in silico analysis. Based on the available evidence, the clinical significance of this variant remains unclear.